The following is an entry in ClinVar:

NM_000202.8(IDS):c.1403G>T (p.Arg468Leu)

Gene: IDS (iduronate 2-sulfatase; minus strand). Cytogenetic location: Xq28.
Variant type: single nucleotide variant.
Coding change: c.1403G>T on transcript NM_000202.8 (MANE Select); coding-DNA position 1403, G replaced by T.
Protein change: p.Arg468Leu; replaces arginine 468 with leucine.
Molecular consequence: missense variant.
Genome position (GRCh38, 1-based): chrX:149,482,996, C>A on the plus strand (G>T on the coding strand, the complement: IDS is on the minus strand). VCF-style: chrX-149482996-C-A. GRCh37 (hg19) VCF-style: chrX-148564527-C-A.
Other names: c.1133G>T, p.Arg378Leu (NM_001166550.4); short protein forms R468L, R378L.
Identifiers: ClinVar variation 10500 (VCV000010500.3), dbSNP rs113993946, ClinGen allele CA121099.

ClinVar aggregate classification (germline): Pathogenic. Review status: criteria provided, single submitter (1 of 4 stars). 2 submissions from 2 submitters: Pathogenic (1). 1 of the submissions does not count toward it. Last evaluated 2024-06-07.

Conditions:
Mucopolysaccharidosis, MPS-II (MPS2). Also called: Mucopolysaccharidosis with skin involvement; Mucopolysaccharidosis type 2; Mucopolysaccharidosis Type II; SIDS deficiency; IDS deficiency; Sulfoiduronate sulfatase deficiency. Identifiers: Orphanet 580, Orphanet 79388, MedGen C0026705, MONDO:0010674, OMIM 309900.
Mucopolysaccharidosis type 2, severe form. Also called: Mucopolysaccharidosis, type II, severe form. Identifiers: Orphanet 217085, MedGen C0342841, MONDO:0016315.

Submissions (2):

Laboratory of Diagnosis and Therapy of Lysosomal Disorders, University of Padova
Classification: Pathogenic for Mucopolysaccharidosis, MPS-II. Last evaluated: 2024-06-07. Review status: criteria provided, single submitter. Criteria: ACMG Guidelines, 2015. Collection method: literature only. Allele origin: germline. Affected: yes. Observed: 4 variant alleles.
Comment: In vitro or in vivo functional studies supportive of a damaging effect (PS3_Strong), Absent from controls (or at low frequency) in gnomAD database (PM2_Moderate), Cosegregation with disease in multiple affected family members (PP1_Moderate), Missense variant in a gene with a low rate of benign missense variation (PP2_Supporting), Multiple lines of computational evidence support a deleterious effect (PP3_Supporting), Patient’s phenotype or family history highly specific for the disease (PP4_Moderate)

Classification method: ACMG Guidelines [PMID:25741868] with modifications

OMIM
Classification: Pathogenic for MUCOPOLYSACCHARIDOSIS, TYPE II, SEVERE FORM. Last evaluated: 1998-02-01. Review status: no assertion criteria provided. Collection method: literature only. Allele origin: germline. Not counted in ClinVar's aggregate classification.

Literature cited by the submitters: PubMed 9501270 (cited by Laboratory of Diagnosis and Therapy of Lysosomal Disorders, University of Padova and OMIM); PubMed 16133661 (cited by Laboratory of Diagnosis and Therapy of Lysosomal Disorders, University of Padova); PubMed 7581397 (cited by Laboratory of Diagnosis and Therapy of Lysosomal Disorders, University of Padova); PubMed 9611068 (cited by Laboratory of Diagnosis and Therapy of Lysosomal Disorders, University of Padova); PubMed 9222763 (cited by Laboratory of Diagnosis and Therapy of Lysosomal Disorders, University of Padova); PubMed 1284597 (cited by OMIM); PubMed 8111411 (cited by OMIM); PubMed 8364592 (cited by OMIM).